The following is an entry in ClinVar:

NM_000186.4(CFH):c.116A>G (p.Asp39Gly)

Gene: CFH (complement factor H; plus strand). Cytogenetic location: 1q31.3.
Variant type: single nucleotide variant.
Coding change: c.116A>G on transcript NM_000186.4 (MANE Select); coding-DNA position 116, A replaced by G.
Protein change: p.Asp39Gly; replaces aspartic acid 39 with glycine.
Molecular consequence: missense variant.
Genome position (GRCh38, 1-based): chr1:196,673,035, A>G. VCF-style: chr1-196673035-A-G. GRCh37 (hg19) VCF-style: chr1-196642165-A-G.
Other names: c.116A>G, p.Asp39Gly (NM_001014975.3); short protein forms D39G.
Identifiers: ClinVar variation 2772838 (VCV002772838.3), dbSNP rs2529329363, ClinGen allele CA343995604.

ClinVar aggregate classification (germline): Uncertain significance (1 of 4 stars; one submission).

Submission:

Labcorp Genetics (formerly Invitae), Labcorp
Classification: Uncertain significance. Last evaluated: 2023-11-07. Review status: criteria provided, single submitter. Criteria: Invitae Variant Classification Sherloc (09022015). Collection method: clinical testing. Allele origin: germline.
Comment: This sequence change replaces aspartic acid, which is acidic and polar, with glycine, which is neutral and non-polar, at codon 39 of the CFH protein (p.Asp39Gly). This variant is not present in population databases (gnomAD no frequency). This variant has not been reported in the literature in individuals affected with CFH-related conditions. Algorithms developed to predict the effect of missense changes on protein structure and function output the following: SIFT: "Not Available"; PolyPhen-2: "Possibly Damaging"; Align-GVGD: "Not Available". The glycine amino acid residue is found in multiple mammalian species, which suggests that this missense change does not adversely affect protein function. In summary, the available evidence is currently insufficient to determine the role of this variant in disease. Therefore, it has been classified as a Variant of Uncertain Significance.